The following is an entry in ClinVar:

ClinVar aggregate classification (germline): Uncertain significance (1 of 4 stars; one submission).

Allele frequency attached by ClinVar (database versions not stated): gnomAD exomes below 0.00001.
gnomAD v4.1: 5 of 1,611,814 alleles (0.00031%); highest among the groups gnomAD compares: Non-Finnish European, 0.00042%; no homozygotes.

Submission:

Labcorp Genetics (formerly Invitae), Labcorp
Classification: Uncertain significance. Last evaluated: 2022-08-04. Review status: criteria provided, single submitter. Criteria: Invitae Variant Classification Sherloc (09022015). Collection method: clinical testing. Allele origin: germline.
Comment: In summary, the available evidence is currently insufficient to determine the role of this variant in disease. Therefore, it has been classified as a Variant of Uncertain Significance. Advanced modeling of protein sequence and biophysical properties (such as structural, functional, and spatial information, amino acid conservation, physicochemical variation, residue mobility, and thermodynamic stability) performed at Invitae indicates that this missense variant is not expected to disrupt FAT4 protein function. This variant has not been reported in the literature in individuals affected with FAT4-related conditions. This variant is not present in population databases (gnomAD no frequency). This sequence change replaces alanine, which is neutral and non-polar, with glutamic acid, which is acidic and polar, at codon 4977 of the FAT4 protein (p.Ala4977Glu).

NM_001291303.3(FAT4):c.14936C>A (p.Ala4979Glu)

Gene: FAT4 (FAT atypical cadherin 4; plus strand). Cytogenetic location: 4q28.1.
Variant type: single nucleotide variant.
Coding change: c.14936C>A on transcript NM_001291303.3 (MANE Select); coding-DNA position 14936, C replaced by A.
Protein change: p.Ala4979Glu; replaces alanine 4979 with glutamic acid.
Molecular consequence: missense variant.
Genome position (GRCh38, 1-based): chr4:125,491,752, C>A. VCF-style: chr4-125491752-C-A. GRCh37 (hg19) VCF-style: chr4-126412907-C-A.
Other names: c.14933C>A, p.Ala4978Glu (NM_001291285.3); c.14930C>A, p.Ala4977Glu (NM_024582.6); short protein forms A4977E, A4978E, A4979E.
Identifiers: ClinVar variation 1715012 (VCV001715012.5), dbSNP rs1264731599, ClinGen allele CA358144353.